The following is an entry in ClinVar:

NM_000257.4(MYH7):c.5407A>G (p.Ile1803Val)

Gene: MYH7 (myosin heavy chain 7; minus strand). Cytogenetic location: 14q11.2.
Variant type: single nucleotide variant.
Coding change: c.5407A>G on transcript NM_000257.4 (MANE Select); coding-DNA position 5407, A replaced by G.
Protein change: p.Ile1803Val; replaces isoleucine 1803 with valine.
Molecular consequence: missense variant.
Genome position (GRCh38, 1-based): chr14:23,415,147, T>C on the plus strand (A>G on the coding strand, the complement: MYH7 is on the minus strand). VCF-style: chr14-23415147-T-C. GRCh37 (hg19) VCF-style: chr14-23884356-T-C.
Other names: short protein forms I1803V.
Identifiers: ClinVar variation 852343 (VCV000852343.10), dbSNP rs1892134813, ClinGen allele CA389035548.

ClinVar aggregate classification (germline): Uncertain significance. Review status: criteria provided, multiple submitters, no conflicts (2 of 4 stars). 2 submissions from 2 submitters: Uncertain significance (2). Last evaluated 2024-03-06.

Conditions:
Cardiomyopathy (CMYO). Also called: Cardiomyopathies. Identifiers: Orphanet 167848, MedGen C0878544, MONDO:0004994, HP:0001638. Inheritance: Various modes of inheritance.
Hypertrophic cardiomyopathy. Also called: HYPERTROPHIC MYOCARDIOPATHY. Identifiers: Orphanet 217569, MedGen C0007194, MeSH D002312, MONDO:0005045, HP:0001639.

Submissions (2):

Color Diagnostics, LLC DBA Color Health
Classification: Uncertain significance for Cardiomyopathy. Last evaluated: 2024-03-06. Review status: criteria provided, single submitter. Criteria: ACMG Guidelines, 2015. Collection method: clinical testing. Allele origin: germline.
Comment: This missense variant replaces isoleucine with valine at codon 1803 of the MYH7 protein. Computational prediction suggests that this variant may not impact protein structure and function (internally defined REVEL score threshold <= 0.5, PMID: 27666373). To our knowledge, functional studies have not been reported for this variant. This variant has not been reported in individuals affected with cardiovascular disorders in the literature. This variant has not been identified in the general population by the Genome Aggregation Database (gnomAD). The available evidence is insufficient to determine the role of this variant in disease conclusively. Therefore, this variant is classified as a Variant of Uncertain Significance.

Labcorp Genetics (formerly Invitae), Labcorp
Classification: Uncertain significance for Hypertrophic cardiomyopathy. Last evaluated: 2023-06-30. Review status: criteria provided, single submitter. Criteria: Invitae Variant Classification Sherloc (09022015). Collection method: clinical testing. Allele origin: germline.
Comment: In summary, the available evidence is currently insufficient to determine the role of this variant in disease. Therefore, it has been classified as a Variant of Uncertain Significance. Advanced modeling of protein sequence and biophysical properties (such as structural, functional, and spatial information, amino acid conservation, physicochemical variation, residue mobility, and thermodynamic stability) performed at Invitae indicates that this missense variant is not expected to disrupt MYH7 protein function. ClinVar contains an entry for this variant (Variation ID: 852343). This variant has not been reported in the literature in individuals affected with MYH7-related conditions. This variant is not present in population databases (gnomAD no frequency). This sequence change replaces isoleucine, which is neutral and non-polar, with valine, which is neutral and non-polar, at codon 1803 of the MYH7 protein (p.Ile1803Val).